The following is an entry in ClinVar:

ClinVar aggregate classification (germline): Likely benign (1 of 4 stars; one submission).

gnomAD v4.1: 45 of 261,776 alleles (0.017%); highest among the groups gnomAD compares: Middle Eastern, 0.05%; no homozygotes.

Submission:

CeGaT Center for Human Genetics Tuebingen
Classification: Likely benign. Last evaluated: 2023-04-01. Review status: criteria provided, single submitter. Criteria: CeGaT Center For Human Genetics Tuebingen Variant Classification Criteria Version 2. Collection method: clinical testing. Allele origin: germline. Affected: yes. Observed: 2 variant alleles.
Comment: PDHA1: BS2

NM_000284.4(PDHA1):c.57+1658C>G

Gene: PDHA1 (pyruvate dehydrogenase E1 subunit alpha 1; plus strand). Cytogenetic location: Xp22.12.
Variant type: single nucleotide variant.
Coding change: c.57+1658C>G on transcript NM_000284.4 (MANE Select); 1658 bases into the intron after coding-DNA position 57, C replaced by G.
Molecular consequence: intron variant.
Genome position (GRCh38, 1-based): chrX:19,345,752, C>G. VCF-style: chrX-19345752-C-G. GRCh37 (hg19) VCF-style: chrX-19363870-C-G.
Other names: c.57+1658C>G (NM_001173455.2, NM_001173456.2); c.58-758C>G (NM_001173454.2).
Identifiers: ClinVar variation 2660123 (VCV002660123.24), dbSNP rs764903047, ClinGen allele CA10362940.